The following is an entry in ClinVar:

ClinVar aggregate classification (germline): Conflicting classifications of pathogenicity. Review status: criteria provided, conflicting classifications (1 of 4 stars). 3 submissions from 3 submitters: Pathogenic (1); Likely pathogenic (1); Uncertain significance (1). Last evaluated 2025-11-24.

Conditions:
Oculocutaneous albinism. Identifiers: Orphanet 55, MedGen C0078918, MONDO:0018910.

Allele frequency attached by ClinVar (database versions not stated): ExAC 0.00001; gnomAD 0.00001; TOPMed 0.00001; gnomAD exomes 0.00003.
gnomAD v4.1: 53 of 1,613,706 alleles (0.0033%); highest among the groups gnomAD compares: Non-Finnish European, 0.0042%; no homozygotes.

Submissions (3):

Labcorp Genetics (formerly Invitae), Labcorp
Classification: Pathogenic. Last evaluated: 2025-11-24. Review status: criteria provided, single submitter. Criteria: Invitae Variant Classification Sherloc (09022015). Collection method: clinical testing. Allele origin: germline.
Comment: This sequence change replaces glutamic acid, which is acidic and polar, with valine, which is neutral and non-polar, at codon 760 of the OCA2 protein (p.Glu760Val). This variant is present in population databases (rs759815955, gnomAD 0.004%). This missense change has been observed in individual(s) with clinical features of oculocutaneous albinism (internal data). In at least one individual the data is consistent with being in trans (on the opposite chromosome) from a pathogenic variant. It has also been observed to segregate with disease in related individuals. ClinVar contains an entry for this variant (Variation ID: 2581176). Invitae Evidence Modeling of protein sequence and biophysical properties (such as structural, functional, and spatial information, amino acid conservation, physicochemical variation, residue mobility, and thermodynamic stability) indicates that this missense variant is not expected to disrupt OCA2 protein function with a negative predictive value of 80%. For these reasons, this variant has been classified as Pathogenic.

Women's Health and Genetics/Laboratory Corporation of America, LabCorp
Classification: Likely pathogenic for Oculocutaneous albinism. Last evaluated: 2025-08-25. Review status: criteria provided, single submitter. Criteria: LabCorp Variant Classification Summary - May 2015. Collection method: clinical testing. Allele origin: germline.
Comment: Variant summary: OCA2 c.2279A>T (p.Glu760Val) results in a non-conservative amino acid change located in the Citrate transporter-like domain (IPR004680) of the encoded protein sequence. Algorithms developed to predict the effect of missense changes on protein structure and function are either unavailable or do not agree on the potential impact of this missense change. The variant allele was found at a frequency of 3.3e-05 in 1606720 control chromosomes in the gnomAD database (v4.1 dataset). This frequency is not significantly higher than estimated for a pathogenic variant in OCA2 causing Oculocutaneous Albinism (0.0043), allowing no conclusion about variant significance. c.2279A>T has been observed in individuals affected with Oculocutaneous Albinism (Labcorp (formerly Invitae) internal cases). These data indicate that the variant may be associated with disease. To our knowledge, no experimental evidence demonstrating an impact on protein function has been reported. The following publications have been ascertained in the context of this evaluation (PMID: 31233279). ClinVar contains an entry for this variant (Variation ID: 2581176). Based on the evidence outlined above, the variant was classified as likely pathogenic.

Blueprint Genetics
Classification: Uncertain significance. Last evaluated: 2023-08-30. Review status: criteria provided, single submitter. Criteria: ACMG Guidelines, 2015. Collection method: clinical testing. Allele origin: germline.

Literature cited by the submitters: PubMed 31233279 (cited by Women's Health and Genetics/Laboratory Corporation of America, LabCorp).

NM_000275.3(OCA2):c.2279A>T (p.Glu760Val)

Gene: OCA2 (OCA2 melanosomal transmembrane protein; minus strand). Cytogenetic location: 15q13.1.
Variant type: single nucleotide variant.
Coding change: c.2279A>T on transcript NM_000275.3 (MANE Select); coding-DNA position 2279, A replaced by T.
Protein change: p.Glu760Val; replaces glutamic acid 760 with valine.
Molecular consequence: missense variant.
Genome position (GRCh38, 1-based): chr15:27,851,441, T>A on the plus strand (A>T on the coding strand, the complement: OCA2 is on the minus strand). VCF-style: chr15-27851441-T-A. GRCh37 (hg19) VCF-style: chr15-28096587-T-A.
Other names: c.2207A>T, p.Glu736Val (NM_001300984.2); short protein forms E736V, E760V.
Identifiers: ClinVar variation 2581176 (VCV002581176.5), dbSNP rs759815955, ClinGen allele CA7438659.